The following is an entry in ClinVar:

NM_000038.6(APC):c.7064C>A (p.Ser2355Ter)

Gene: APC (APC regulator of Wnt signaling pathway; plus strand). Cytogenetic location: 5q22.2.
Variant type: single nucleotide variant.
Coding change: c.7064C>A on transcript NM_000038.6 (MANE Select); coding-DNA position 7064, C replaced by A.
Protein change: p.Ser2355Ter; replaces serine 2355 with a stop codon.
Molecular consequence: nonsense. On other transcripts: non-coding transcript variant (2).
Genome position (GRCh38, 1-based): chr5:112,842,658, C>A. VCF-style: chr5-112842658-C-A. GRCh37 (hg19) VCF-style: chr5-112178355-C-A.
Other names: c.7064C>A, p.Ser2355Ter (NM_001127510.3, NM_001354895.2, NM_001407450.1); c.7010C>A, p.Ser2337Ter (NM_001127511.3); c.7118C>A, p.Ser2373Ter (NM_001354896.2, NM_001407447.1, NM_001407448.1 and 1 more transcripts); c.7094C>A, p.Ser2365Ter (NM_001354897.2); c.6989C>A, p.Ser2330Ter (NM_001354898.2); c.6980C>A, p.Ser2327Ter (NM_001354899.2); c.6941C>A, p.Ser2314Ter (NM_001354900.2); c.6887C>A, p.Ser2296Ter (NM_001354901.2, NM_001407453.1); and 11 more; short protein forms S2272*, S2296*, S2314*, S2345*, S2348*, S2355*, S2365*, S2072*.
Identifiers: ClinVar variation 2811182 (VCV002811182.3), dbSNP rs1766367247, ClinGen allele CA16036723.
Genomic context (GRCh38, chr5:112,842,658, plus strand): 5'-GAATAAGTCCTCCTAACAAATTATCTCAACTTCCAAGGACATCATCCCCTAGTACTGCTT[C>A]AACTAAGTCCTCAGGTTCTGGAAAAATGTCATATACATCTCCAGGTAGACAGATGAGCCA-3'

ClinVar aggregate classification (germline): Pathogenic (1 of 4 stars; one submission).

Conditions:
Familial adenomatous polyposis 1 (FAP1). Also called: FAMILIAL ADENOMATOUS POLYPOSIS 1, ATTENUATED; POLYPOSIS, ADENOMATOUS INTESTINAL. Identifiers: MedGen C2713442, MONDO:0021056, OMIM 175100. Disease mechanism: loss of function.

Submission:

Labcorp Genetics (formerly Invitae), Labcorp
Classification: Pathogenic for Familial adenomatous polyposis 1. Last evaluated: 2022-11-01. Review status: criteria provided, single submitter. Criteria: Invitae Variant Classification Sherloc (09022015). Collection method: clinical testing. Allele origin: germline.
Comment: This variant is not present in population databases (gnomAD no frequency). This sequence change creates a premature translational stop signal (p.Ser2355*) in the APC gene. While this is not anticipated to result in nonsense mediated decay, it is expected to disrupt the last 489 amino acid(s) of the APC protein. This variant has not been reported in the literature in individuals affected with APC-related conditions. For these reasons, this variant has been classified as Pathogenic. A different truncation (p.Tyr2645Lysfs*14) that lies downstream of this variant has been determined to be pathogenic (PMID: 9824584, 1316610, 27081525, 8381579, 22135120, Invitae). This suggests that deletion of this region of the APC protein is causative of disease. This variant is expected to disrupt the EB1 and HDLG binding sites, which mediate interactions with the cytoskeleton (PMID: 15311282, 17293347). While functional studies have not been performed to directly test the effect on APC protein function, this suggests that disruption of the C-terminal portion of the protein is functionally important.

Literature cited by the submitters: PubMed 9824584; PubMed 1316610; PubMed 27081525; PubMed 8381579; PubMed 22135120; PubMed 15311282; PubMed 17293347.